The following is an entry in ClinVar:

ClinVar aggregate classification (germline): Pathogenic (1 of 4 stars; one submission).

Conditions:
Hereditary factor VIII deficiency disease (HEMA). Also called: AUTOSOMAL HEMOPHILIA A; Hemophilia A, congenital; HEM A; Factor 8 deficiency, congenital; HEMOPHILIA, CLASSIC; Hemophilia A. Identifiers: Orphanet 98878, MedGen C0019069, MONDO:0010602, OMIM 306700.

Submission:

ARUP Laboratories, Molecular Genetics and Genomics, ARUP Laboratories
Classification: Pathogenic for Hereditary factor VIII deficiency disease. Last evaluated: 2020-01-10. Review status: criteria provided, single submitter. Criteria: ARUP Molecular Germline Variant Investigation Process. Collection method: clinical testing. Allele origin: germline.
Comment: The F8 c.4636C>T; p.Gln1546Ter variant, to our knowledge, is not reported in the medical literature or gene specific databases. This variant is also absent from general population databases (Exome Variant Server, Genome Aggregation Database), indicating it is not a common polymorphism. This variant induces an early termination codon and is predicted to result in a truncated protein or mRNA subject to nonsense-mediated decay. Additionally, several downstream truncating variants have been described in individuals with hemophilia A and are considered pathogenic (Green 2008, Johnsen 2017, Nair 2010). Based on available information, this variant is considered to be pathogenic. References: Green PM et al. Haemophilia A mutations in the UK: results of screening one-third of the population. Br J Haematol. 2008 Oct;143(1):115-28. Johnsen JM et al. Novel approach to genetic analysis and results in 3000 hemophilia patients enrolled in the My Life, Our Future initiative. Blood Adv. 2017 May 18;1(13):824-834. Nair PS et al. Molecular pathology of haemophilia A in Indian patients: identification of 11 novel mutations. Clin Chim Acta. 2010 Dec 14;411(23-24):2004-8.

NM_000132.4(F8):c.4636C>T (p.Gln1546Ter)

Gene: F8 (coagulation factor VIII; minus strand). Cytogenetic location: Xq28.
Variant type: single nucleotide variant.
Coding change: c.4636C>T on transcript NM_000132.4 (MANE Select); coding-DNA position 4636, C replaced by T.
Protein change: p.Gln1546Ter; replaces glutamine 1546 with a stop codon.
Molecular consequence: nonsense.
Genome position (GRCh38, 1-based): chrX:154,929,154, G>A on the plus strand (C>T on the coding strand, the complement: F8 is on the minus strand). VCF-style: chrX-154929154-G-A. GRCh37 (hg19) VCF-style: chrX-154157429-G-A.
Other names: short protein forms Q1546*.
Identifiers: ClinVar variation 994074 (VCV000994074.8), dbSNP rs2073177296, ClinGen allele CA414917244.